The following is an entry in ClinVar:

ClinVar aggregate classification (germline): Benign (1 of 4 stars; one submission).

Allele frequency attached by ClinVar (database versions not stated): gnomAD 0.01805; 1000 Genomes Project 0.02556; TOPMed 0.02147; 1000 Genomes Project 30x 0.02577.
gnomAD v4.1: 2,782 of 150,892 alleles (1.8%); highest among the groups gnomAD compares: African/African-American, 6.4%; 95 homozygotes.

Submission:

GeneDx
Classification: Benign. Last evaluated: 2018-06-14. Review status: criteria provided, single submitter. Criteria: GeneDx Variant Classification (06012015). Collection method: clinical testing. Allele origin: germline. Affected: yes.
Comment: This variant is considered likely benign or benign based on one or more of the following criteria: it is a conservative change, it occurs at a poorly conserved position in the protein, it is predicted to be benign by multiple in silico algorithms, and/or has population frequency not consistent with disease.

NM_016373.4(WWOX):c.108-171C>G

Gene: WWOX (WW domain containing oxidoreductase; plus strand). Cytogenetic location: 16q23.1.
Variant type: single nucleotide variant.
Coding change: c.108-171C>G on transcript NM_016373.4 (MANE Select); 171 bases into the intron before coding-DNA position 108, C replaced by G.
Molecular consequence: intron variant.
Genome position (GRCh38, 1-based): chr16:78,108,252, C>G. VCF-style: chr16-78108252-C-G. GRCh37 (hg19) VCF-style: chr16-78142149-C-G.
Other names: c.-167-1526C>G (NM_001291997.2); c.108-171C>G (NM_130791.5).
Identifiers: ClinVar variation 672720 (VCV000672720.1), dbSNP rs73562775, ClinGen allele CA14317807.
Genomic context (GRCh38, chr16:78,108,252, plus strand): 5'-CTGGGATTACAGGTGTGAGCCACCGCTCCCGACGGCCTCTAGATATTTTGAGTGATTCAG[C>G]AAACCTCCTAAAGTTGACCCCGTAGCTGGGGTCACAGTCCTCTTTCTCCTTCTTCCCCCT-3'